The following is an entry in ClinVar:

NM_001849.4(COL6A2):c.1912G>A (p.Val638Ile)

Gene: COL6A2 (collagen type VI alpha 2 chain; plus strand). Cytogenetic location: 21q22.3.
Variant type: single nucleotide variant.
Coding change: c.1912G>A on transcript NM_001849.4 (MANE Select); coding-DNA position 1912, G replaced by A.
Protein change: p.Val638Ile; replaces valine 638 with isoleucine.
Molecular consequence: missense variant.
Genome position (GRCh38, 1-based): chr21:46,125,560, G>A. VCF-style: chr21-46125560-G-A. GRCh37 (hg19) VCF-style: chr21-47545474-G-A.
Other names: c.1912G>A, p.Val638Ile (NM_058174.3, NM_058175.3); short protein forms V638I.
Identifiers: ClinVar variation 846143 (VCV000846143.11), dbSNP rs554113319, ClinGen allele CA10072329.
Genomic context (GRCh38, chr21:46,125,560, plus strand): 5'-TTCGTCATCGACAGCTCCGAGAGCATTGGGTACACCAACTTCACACTGGAGAAGAACTTC[G>A]TCATCAACGTGGTCAACAGGCTGGGTGCCATCGCTAAGGACCCCAAGTCCGAGACAGGTC-3'
Protein context (NP_001840.3, residues 628-648): YTNFTLEKNF[Val638Ile]INVVNRLGAI

ClinVar aggregate classification (germline): Conflicting classifications of pathogenicity. Review status: criteria provided, conflicting classifications (1 of 4 stars). 3 submissions from 3 submitters: Uncertain significance (2); Likely benign (1). Last evaluated 2025-07-06.

Conditions:
Bethlem myopathy 1A. Also called: MYOPATHY, BENIGN CONGENITAL, WITH CONTRACTURES; Bethlem Muscular Dystrophy; Bethlem myopathy 1. Identifiers: Orphanet 610, MedGen CN029274, MONDO:0024530, OMIM 158810.

Allele frequency attached by ClinVar (database versions not stated): gnomAD 0.00001 and 0.00002; gnomAD exomes 0.00002; TOPMed 0.00002; ExAC 0.00003; 1000 Genomes Project 30x 0.00016; 1000 Genomes Project 0.00020.
gnomAD v4.1: 26 of 1,612,820 alleles (0.0016%); highest among the groups gnomAD compares: Middle Eastern, 0.016%; no homozygotes.

Submissions (3):

Labcorp Genetics (formerly Invitae), Labcorp
Classification: Likely benign for Bethlem myopathy 1A. Last evaluated: 2025-07-06. Review status: criteria provided, single submitter. Criteria: Invitae Variant Classification Sherloc (09022015). Collection method: clinical testing. Allele origin: germline.

Revvity Omics, Revvity
Classification: Uncertain significance. Last evaluated: 2022-03-08. Review status: criteria provided, single submitter. Criteria: ACMG Guidelines, 2015. Collection method: clinical testing. Allele origin: germline.

GeneDx
Classification: Uncertain significance. Last evaluated: 2019-08-28. Review status: criteria provided, single submitter. Criteria: GeneDx Variant Classification Process June 2021. Collection method: clinical testing. Allele origin: germline. Affected: yes.
Comment: In silico analysis, which includes protein predictors and evolutionary conservation, supports that this variant does not alter protein structure/function; Has not been previously published as pathogenic or benign to our knowledge